The following is an entry in ClinVar:

ClinVar aggregate classification (germline): Pathogenic (1 of 4 stars; one submission).

Conditions:
Primary pulmonary hypertension. Also called: Idiopathic pulmonary hypertension. Identifiers: MedGen C0152171.

Submission:

Labcorp Genetics (formerly Invitae), Labcorp
Classification: Pathogenic for Primary pulmonary hypertension. Last evaluated: 2024-10-12. Review status: criteria provided, single submitter. Criteria: Invitae Variant Classification Sherloc (09022015). Collection method: clinical testing. Allele origin: germline.
Comment: This sequence change creates a premature translational stop signal (p.Gly182Serfs*17) in the BMPR2 gene. It is expected to result in an absent or disrupted protein product. Loss-of-function variants in BMPR2 are known to be pathogenic (PMID: 16429395). This variant is not present in population databases (gnomAD no frequency). This premature translational stop signal has been observed in individual(s) with pulmonary hypertension (PMID: 31727138). For these reasons, this variant has been classified as Pathogenic.

Literature cited by the submitters: PubMed 16429395; PubMed 31727138.

NM_001204.7(BMPR2):c.543_544del (p.Gly182fs)

Gene: BMPR2 (bone morphogenetic protein receptor type 2; plus strand). Cytogenetic location: 2q33.2.
Variant type: Deletion.
Coding change: c.543_544del on transcript NM_001204.7 (MANE Select); coding-DNA positions 543 to 544, 2 bases deleted (AG; older notation c.543_544delAG).
Protein change: p.Gly182fs; shifts the reading frame from glycine 182.
Molecular consequence: frameshift variant.
Genome position (GRCh38, 1-based): chr2:202,514,901-202,514,902, AG deleted. VCF-style (leftmost placement, unchanged base first): chr2-202514900-AAG-A. GRCh37 (hg19) VCF-style: chr2-203379623-AAG-A.
Other names: short protein forms G182fs.
Identifiers: ClinVar variation 3609122 (VCV003609122.2).